The following is an entry in ClinVar:

NM_032043.3(BRIP1):c.222G>A (p.Glu74=)

Gene: BRIP1 (BRCA1 interacting DNA helicase 1; minus strand). Cytogenetic location: 17q23.2.
Variant type: single nucleotide variant.
Coding change: c.222G>A on transcript NM_032043.3 (MANE Select); coding-DNA position 222, G replaced by A.
Protein change: p.Glu74=; no amino-acid change (glutamic acid 74 retained).
Molecular consequence: synonymous variant.
Genome position (GRCh38, 1-based): chr17:61,857,215, C>T on the plus strand (G>A on the coding strand, the complement: BRIP1 is on the minus strand). VCF-style: chr17-61857215-C-T. GRCh37 (hg19) VCF-style: chr17-59934576-C-T.
Identifiers: ClinVar variation 758917 (VCV000758917.14), dbSNP rs1603366432, ClinGen allele CA501151434.

ClinVar aggregate classification (germline): Benign/Likely benign. Review status: criteria provided, multiple submitters, no conflicts (2 of 4 stars). 4 submissions from 4 submitters: Benign (1); Likely benign (3). Last evaluated 2024-08-09.

Conditions:
Familial cancer of breast. Also called: Hereditary breast cancer; BREAST CANCER, FAMILIAL; hereditary breast carcinoma. Identifiers: Orphanet 227535, MedGen C0346153, MONDO:0016419, OMIM 114480. Disease mechanism: loss of function.
Fanconi anemia complementation group J. Also called: BRIP1-Related Fanconi Anemia. Identifiers: Orphanet 84, MedGen C1836860, MONDO:0012187, OMIM 609054.
Hereditary cancer-predisposing syndrome. Also called: Tumor predisposition; Hereditary Cancer Syndrome; Neoplastic Syndromes, Hereditary; Hereditary neoplastic syndrome. Identifiers: Orphanet 140162, MedGen C0027672, MeSH D009386, MONDO:0015356.

gnomAD v4.1: 1 of 1,613,722 alleles (0.000062%); highest among the groups gnomAD compares: Non-Finnish European, 0.000085%; no homozygotes.

Submissions (4):

Myriad Genetics, Inc.
Classification: Benign for Familial cancer of breast. Last evaluated: 2024-08-09. Review status: criteria provided, single submitter. Criteria: Myriad Autosomal Dominant, Autosomal Recessive and X-Linked Classification Criteria (2023). Collection method: clinical testing. Allele origin: unknown.
Comment: This variant is considered benign. This variant is a silent/synonymous amino acid change and it is not expected to impact splicing.

Labcorp Genetics (formerly Invitae), Labcorp
Classification: Likely benign for Familial cancer of breast; Fanconi anemia complementation group J. Last evaluated: 2024-05-02. Review status: criteria provided, single submitter. Criteria: Invitae Variant Classification Sherloc (09022015). Collection method: clinical testing. Allele origin: germline.

Ambry Genetics
Classification: Likely benign for Hereditary cancer-predisposing syndrome. Last evaluated: 2021-08-27. Review status: criteria provided, single submitter. Criteria: Ambry Variant Classification Scheme 2023. Collection method: clinical testing. Allele origin: germline.

Color Diagnostics, LLC DBA Color Health
Classification: Likely benign for Hereditary cancer-predisposing syndrome. Last evaluated: 2020-11-10. Review status: criteria provided, single submitter. Criteria: ACMG Guidelines, 2015. Collection method: clinical testing. Allele origin: germline.